The following is an entry in ClinVar:

NM_032119.4(ADGRV1):c.5917G>C (p.Asp1973His)

Gene: ADGRV1 (adhesion G protein-coupled receptor V1; plus strand). Cytogenetic location: 5q14.3.
Variant type: single nucleotide variant.
Coding change: c.5917G>C on transcript NM_032119.4 (MANE Select); coding-DNA position 5917, G replaced by C.
Protein change: p.Asp1973His; replaces aspartic acid 1973 with histidine.
Molecular consequence: missense variant. On other transcripts: non-coding transcript variant (1).
Genome position (GRCh38, 1-based): chr5:90,683,838, G>C. VCF-style: chr5-90683838-G-C. GRCh37 (hg19) VCF-style: chr5-89979655-G-C.
Other names: c.5917G>C (NM_032119.3); short protein forms D1973H.
Identifiers: ClinVar variation 1000659 (VCV001000659.9), dbSNP rs1218609709, ClinGen allele CA360413697.

ClinVar aggregate classification (germline): Uncertain significance. Review status: criteria provided, multiple submitters, no conflicts (2 of 4 stars). 2 submissions from 2 submitters: Uncertain significance (2). Last evaluated 2025-03-17.

Conditions:
Inborn genetic diseases. Identifiers: MedGen C0950123, MeSH D030342.

Allele frequency attached by ClinVar (database versions not stated): TOPMed below 0.00001; gnomAD 0.00001.
gnomAD v4.1: 1 of 1,613,646 alleles (0.000062%); highest among the groups gnomAD compares: Admixed American, 0.0017%; no homozygotes.

Submissions (2):

Ambry Genetics
Classification: Uncertain significance for Inborn genetic diseases. Last evaluated: 2025-03-17. Review status: criteria provided, single submitter. Criteria: Ambry Variant Classification Scheme 2023. Collection method: clinical testing. Allele origin: germline.

Labcorp Genetics (formerly Invitae), Labcorp
Classification: Uncertain significance. Last evaluated: 2020-09-04. Review status: criteria provided, single submitter. Criteria: Invitae Variant Classification Sherloc (09022015). Collection method: clinical testing. Allele origin: germline.
Comment: This sequence change replaces aspartic acid with histidine at codon 1973 of the ADGRV1 protein (p.Asp1973His). The aspartic acid residue is highly conserved and there is a moderate physicochemical difference between aspartic acid and histidine. This variant is not present in population databases (ExAC no frequency). This variant has not been reported in the literature in individuals with ADGRV1-related conditions. Algorithms developed to predict the effect of missense changes on protein structure and function are either unavailable or do not agree on the potential impact of this missense change (SIFT: "Deleterious"; PolyPhen-2: "Probably Damaging"; Align-GVGD: "Class C0"). In summary, the available evidence is currently insufficient to determine the role of this variant in disease. Therefore, it has been classified as a Variant of Uncertain Significance.